The following is an entry in ClinVar:

ClinVar aggregate classification (germline): Pathogenic (1 of 4 stars; one submission).

Conditions:
Intellectual developmental disorder, X-linked 99, syndromic, female-restricted. Also called: Intellectual disability, X-linked 99, syndromic, female-restricted. Identifiers: MedGen C4225416, MONDO:0010502, OMIM 300968.

Submission:

Victorian Clinical Genetics Services, Murdoch Childrens Research Institute
Classification: Pathogenic for Intellectual developmental disorder, X-linked 99, syndromic, female-restricted. Last evaluated: 2020-10-19. Review status: criteria provided, single submitter. Criteria: ACMG Guidelines, 2015. Collection method: clinical testing. Allele origin: germline. Inheritance: X-linked dominant inheritance.
Comment: Based on the classification scheme VCGS_Germline_v1.3.3, this variant is classified as Pathogenic. Following criteria are met: 0102 - Loss of function is a known mechanism of disease in this gene and is associated with X-linked dominant USP9X-related neurodevelopmental disorder. (I) 0110 - This gene is associated with X-linked dominant disease. (I) 0201 - Variant is predicted to cause nonsense-mediated decay (NMD) and loss of protein (premature termination codon is located at least 54 nucleotides upstream of the final exon-exon junction). (SP) 0251 - This variant is heterozygous. (I) 0301 - Variant is absent from gnomAD (both v2 and v3). (SP) 0701 - Many NMD predicted variants comparable to the one identified in this case have very strong previous evidence for pathogenicity (ClinVar). (SP) 0807 - This variant has no previous evidence of pathogenicity. (I) 0905 - No published segregation evidence has been identified for this variant. (I) 1007 - No published functional evidence has been identified for this variant. (I) 1102 - Strong phenotype match for this individual. (SP) 1208 - Inheritance information for this variant is not currently available in this individual. (I) Legend: (SP) - Supporting pathogenic, (I) - Information, (SB) - Supporting benign

NM_001039591.3(USP9X):c.6991dup (p.Tyr2331fs)

Gene: USP9X (ubiquitin specific peptidase 9 X-linked; plus strand). Cytogenetic location: Xp11.4.
Variant type: Duplication.
Coding change: c.6991dup on transcript NM_001039591.3 (MANE Select); coding-DNA position 6991, one base duplicated (T; older notation c.6991dupT).
Protein change: p.Tyr2331fs; shifts the reading frame from tyrosine 2331.
Molecular consequence: frameshift variant.
Genome position (GRCh38, 1-based): chrX:41,225,067, T duplicated. VCF-style (leftmost placement, unchanged base first): chrX-41225066-C-CT. GRCh37 (hg19) VCF-style: chrX-41084319-C-CT.
Other names: c.6991dup, p.Tyr2331fs (NM_001039590.3); short protein forms Y2331fs.
Identifiers: ClinVar variation 1698973 (VCV001698973.3), dbSNP rs2147266578, ClinGen allele CA1139532852.
Genomic context (GRCh38, chrX:41,225,066, plus strand): 5'-ATTCCTTTCATTAAGTTACTCACCATGTCTTACTTGTTTTTAGGTTGCATATTCCTATAC[C>CT]TATGAACTGCGGCCCTATTTGGATCTGCTTTTGCAAATCTTACTGATTGAGGACTCCTGG-3'